The following is an entry in ClinVar:

ClinVar aggregate classification (germline): Uncertain significance (1 of 4 stars; one submission).

Conditions:
Hereditary cancer-predisposing syndrome. Also called: Tumor predisposition; Neoplastic Syndromes, Hereditary; Hereditary neoplastic syndrome; Hereditary Cancer Syndrome. Identifiers: Orphanet 140162, MedGen C0027672, MeSH D009386, MONDO:0015356.

Submission:

Ambry Genetics
Classification: Uncertain significance for Hereditary cancer-predisposing syndrome. Last evaluated: 2025-08-27. Review status: criteria provided, single submitter. Criteria: Ambry Variant Classification Scheme 2023. Collection method: clinical testing. Allele origin: germline.
Comment: The p.Q414K variant (also known as c.1240C>A), located in coding exon 13 of the MUTYH gene, results from a C to A substitution at nucleotide position 1240. The glutamine at codon 414 is replaced by lysine, an amino acid with similar properties. This amino acid position is conserved. In addition, this alteration is predicted to be tolerated by in silico analysis. Based on the available evidence, the clinical significance of this variant remains unclear.

NM_001048174.2(MUTYH):c.1156C>A (p.Gln386Lys)

Gene: MUTYH (mutY DNA glycosylase; minus strand). Cytogenetic location: 1p34.1.
Variant type: single nucleotide variant.
Coding change: c.1156C>A on transcript NM_001048174.2 (MANE Select); coding-DNA position 1156, C replaced by A.
Protein change: p.Gln386Lys; replaces glutamine 386 with lysine.
Molecular consequence: missense variant. On other transcripts: non-coding transcript variant (7).
Genome position (GRCh38, 1-based): chr1:45,331,503, G>T on the plus strand (C>A on the coding strand, the complement: MUTYH is on the minus strand). VCF-style: chr1-45331503-G-T. GRCh37 (hg19) VCF-style: chr1-45797175-G-T.
Other names: c.1156C>A, p.Gln386Lys (NM_001407070.1, NM_001407072.1, NM_001407073.1 and 6 more transcripts); c.1159C>A, p.Gln387Lys (NM_001407071.1, NM_001407078.1, NM_001048172.2 and 1 more transcripts); c.1072C>A, p.Gln358Lys (NM_001407075.1); c.1189C>A, p.Gln397Lys (NM_001407077.1, NM_001293191.2, NM_001407069.1); c.1117C>A, p.Gln373Lys (NM_001407079.1); c.1114C>A, p.Gln372Lys (NM_001407080.1); c.1240C>A, p.Gln414Lys (NM_001128425.2); c.1201C>A, p.Gln401Lys (NM_001293190.2); and 5 more; short protein forms Q358K, Q386K, Q387K, Q397K, Q411K, Q372K, Q393K, Q414K.
Identifiers: ClinVar variation 4113121 (VCV004113121.1).
Genomic context (GRCh38, chr1:45,331,503, plus strand): 5'-TGGCTGGGAGGGGCCCAGCCCAACGCTGTAGTTCCTGCAGCAGGGCCTTGCGCTGAAGCT[G>T]CTCTGAGGGCTCCCAGGTCACGGACGGGAACTCCCACAGTCCTGCCAGCAGACCTGAGAG-3'
Protein context (NP_001041639.1, residues 376-396): FPSVTWEPSE[Gln386Lys]LQRKALLQEL